The following is an entry in ClinVar:

NM_181882.3(PRX):c.2763A>G (p.Ile921Met)

Gene: PRX (periaxin; minus strand). Cytogenetic location: 19q13.2.
Variant type: single nucleotide variant.
Coding change: c.2763A>G on transcript NM_181882.3 (MANE Select); coding-DNA position 2763, A replaced by G.
Protein change: p.Ile921Met; replaces isoleucine 921 with methionine.
Molecular consequence: missense variant. On other transcripts: 3 prime UTR variant (1).
Genome position (GRCh38, 1-based): chr19:40,395,589, T>C on the plus strand (A>G on the coding strand, the complement: PRX is on the minus strand). VCF-style: chr19-40395589-T-C. GRCh37 (hg19) VCF-style: chr19-40901496-T-C.
Other names: c.*2968A>G (NM_020956.2); short protein forms I921M.
Identifiers: ClinVar variation 130050 (VCV000130050.31), dbSNP rs268673, ClinGen allele CA154801.

ClinVar aggregate classification (germline): Benign/Likely benign. Review status: criteria provided, multiple submitters, no conflicts (2 of 4 stars). 12 submissions from 12 submitters: Benign (7); Likely benign (1). 4 of the submissions do not count toward it. Last evaluated 2026-02-04.

Conditions:
Charcot-Marie-Tooth disease. Also called: Charcot-Marie-Tooth Hereditary Neuropathy; Charcot-Marie-Tooth Neuropathy. Identifiers: Orphanet 166, MedGen C0007959, MONDO:0015626.
Charcot-Marie-Tooth disease type 4. Also called: Charcot-Marie-Tooth, Type 4; Charcot-Marie-Tooth disease, type IV. Identifiers: Orphanet 64749, MedGen C4082197, MONDO:0018995.
Charcot-Marie-Tooth disease type 4F. Also called: Charcot-Marie-Tooth disease, demyelinating, type 4F. Identifiers: Orphanet 99952, MedGen C3540453, MONDO:0013959, OMIM 614895.

Allele frequency attached by ClinVar (database versions not stated): 1000 Genomes Project 0.29673; 1000 Genomes Project 30x 0.29825; ExAC 0.35044; gnomAD exomes 0.35235 and 0.38429; gnomAD 0.35587 and 0.36279; TOPMed 0.36368; ESP Exome Variant Server 0.36629.
gnomAD v4.1: 614,750 of 1,613,966 alleles (38%); highest among the groups gnomAD compares: Admixed American, 42%; 120,371 homozygotes.

Submissions (12):

Labcorp Genetics (formerly Invitae), Labcorp
Classification: Benign for Charcot-Marie-Tooth disease type 4. Last evaluated: 2026-02-04. Review status: criteria provided, single submitter. Criteria: Invitae Variant Classification Sherloc (09022015). Collection method: clinical testing. Allele origin: germline.

Blueprint Genetics
Classification: Likely benign. Last evaluated: 2024-11-28. Review status: criteria provided, single submitter. Criteria: ACMG Guidelines, 2015. Collection method: clinical testing. Allele origin: germline.

Illumina Laboratory Services, Illumina
Classification: Benign for Charcot-Marie-Tooth disease type 4F. Last evaluated: 2018-01-13. Review status: criteria provided, single submitter. Criteria: ICSL Variant Classification Criteria 13 December 2019. Collection method: clinical testing. Allele origin: germline.
Comment: This variant was observed in the ICSL laboratory as part of a predisposition screen in an ostensibly healthy population. It had not been previously curated by ICSL or reported in the Human Gene Mutation Database (HGMD: prior to June 1st, 2018), and was therefore a candidate for classification through an automated scoring system. Utilizing variant allele frequency, disease prevalence and penetrance estimates, and inheritance mode, an automated score was calculated to assess if this variant is too frequent to cause the disease. Based on the score and internal cut-off values, a variant classified as benign is not then subjected to further curation. The score for this variant resulted in a classification of benign for this disease.

Athena Diagnostics
Classification: Benign for Charcot-Marie-Tooth disease type 4F. Last evaluated: 2017-04-25. Review status: criteria provided, single submitter. Criteria: Athena Diagnostics Criteria. Collection method: clinical testing. Allele origin: germline.

Mayo Clinic Laboratories, Mayo Clinic
Classification: Benign. Last evaluated: 2015-10-22. Review status: criteria provided, single submitter. Criteria: ACMG Guidelines, 2015. Collection method: clinical testing. Allele origin: germline. Observed: 1,324 variant alleles.

GeneDx
Classification: Benign. Last evaluated: 2015-03-03. Review status: criteria provided, single submitter. Criteria: GeneDx Variant Classification Process June 2021. Collection method: clinical testing. Allele origin: germline. Affected: yes.

Breakthrough Genomics
Classification: Benign. Review status: criteria provided, single submitter. Criteria: ACMG Guidelines, 2015. Collection method: not provided. Allele origin: germline. Inheritance: Autosomal recessive inheritance. Affected: yes.

Molecular Genetics Laboratory, London Health Sciences Centre
Classification: Benign for Charcot-Marie-Tooth disease. Review status: criteria provided, single submitter. Criteria: ACMG Guidelines, 2015. Collection method: clinical testing. Allele origin: germline. Affected: yes.

Clinical Genetics, Academic Medical Center
Classification: Benign. Review status: no assertion criteria provided. Collection method: clinical testing. Allele origin: germline. Affected: yes. Study: VKGL Data-share Consensus. Not counted in ClinVar's aggregate classification.

Diagnostic Laboratory, Department of Genetics, University Medical Center Groningen
Classification: Benign. Review status: no assertion criteria provided. Collection method: clinical testing. Allele origin: germline. Affected: yes. Study: VKGL Data-share Consensus. Not counted in ClinVar's aggregate classification.

Genetic Services Laboratory, University of Chicago
Classification: Likely benign for AllHighlyPenetrant. Review status: no assertion criteria provided. Collection method: clinical testing. Allele origin: germline. Inheritance: Autosomal recessive inheritance. Not counted in ClinVar's aggregate classification.
Comment: Likely benign based on allele frequency in 1000 Genomes Project or ESP global frequency and its presence in a patient with a rare or unrelated disease phenotype. NOT Sanger confirmed.

Joint Genome Diagnostic Labs from Nijmegen and Maastricht, Radboudumc and MUMC+
Classification: Benign. Review status: no assertion criteria provided. Collection method: clinical testing. Allele origin: germline. Affected: yes. Study: VKGL Data-share Consensus. Not counted in ClinVar's aggregate classification.